The following is an entry in ClinVar:

NM_005027.4(PIK3R2):c.328A>G (p.Thr110Ala)

Gene: PIK3R2 (phosphoinositide-3-kinase regulatory subunit 2; plus strand). Cytogenetic location: 19p13.11.
Variant type: single nucleotide variant.
Coding change: c.328A>G on transcript NM_005027.4 (MANE Select); coding-DNA position 328, A replaced by G.
Protein change: p.Thr110Ala; replaces threonine 110 with alanine.
Molecular consequence: missense variant. On other transcripts: non-coding transcript variant (2).
Genome position (GRCh38, 1-based): chr19:18,160,476, A>G. VCF-style: chr19-18160476-A-G. GRCh37 (hg19) VCF-style: chr19-18271286-A-G.
Other names: short protein forms T110A.
Identifiers: ClinVar variation 1715916 (VCV001715916.5), dbSNP rs2513560017, ClinGen allele CA404803203.

ClinVar aggregate classification (germline): Uncertain significance (1 of 4 stars; one submission).

Conditions:
Megalencephaly-polymicrogyria-postaxial polydactyly-hydrocephalus syndrome. Also called: MPPH Syndrome; MEG-PMG-MEGACC SYNDROME. Identifiers: Orphanet 83473, MedGen C1863924, MONDO:0019375.

Submission:

Labcorp Genetics (formerly Invitae), Labcorp
Classification: Uncertain significance for Megalencephaly-polymicrogyria-postaxial polydactyly-hydrocephalus syndrome. Last evaluated: 2022-08-09. Review status: criteria provided, single submitter. Criteria: Invitae Variant Classification Sherloc (09022015). Collection method: clinical testing. Allele origin: germline.
Comment: This sequence change replaces threonine, which is neutral and polar, with alanine, which is neutral and non-polar, at codon 110 of the PIK3R2 protein (p.Thr110Ala). This variant is not present in population databases (gnomAD no frequency). This variant has not been reported in the literature in individuals affected with PIK3R2-related conditions. Advanced modeling of protein sequence and biophysical properties (such as structural, functional, and spatial information, amino acid conservation, physicochemical variation, residue mobility, and thermodynamic stability) performed at Invitae indicates that this missense variant is not expected to disrupt PIK3R2 protein function. In summary, the available evidence is currently insufficient to determine the role of this variant in disease. Therefore, it has been classified as a Variant of Uncertain Significance.